The following is an entry in ClinVar:

NM_017637.6(BNC2):c.2164T>G (p.Tyr722Asp)

Genes: BNC2 (basonuclin zinc finger protein 2; minus strand), LOC126860585 (MED14-independent group 3 enhancer GRCh37_chr9:16435259-16436458; plus strand). Cytogenetic location: 9p22.3.
Variant type: single nucleotide variant.
Coding change: c.2164T>G on transcript NM_017637.6 (MANE Select); coding-DNA position 2164, T replaced by G.
Protein change: p.Tyr722Asp; replaces tyrosine 722 with aspartic acid.
Molecular consequence: missense variant.
Genome position (GRCh38, 1-based): chr9:16,436,030, A>C on the plus strand (T>G on the coding strand, the complement: BNC2 is on the minus strand). VCF-style: chr9-16436030-A-C. GRCh37 (hg19) VCF-style: chr9-16436028-A-C.
Other names: c.2038T>G, p.Tyr680Asp (NM_001317939.2); c.1879T>G, p.Tyr627Asp (NM_001317940.2); short protein forms Y627D, Y680D, Y722D.
Identifiers: ClinVar variation 2572306 (VCV002572306.1), dbSNP rs2547712294, ClinGen allele CA372991325.

ClinVar aggregate classification (germline): Uncertain significance (1 of 4 stars; one submission).

Submission:

Greenwood Genetic Center Diagnostic Laboratories, Greenwood Genetic Center
Classification: Uncertain significance. Last evaluated: 2023-06-29. Review status: criteria provided, single submitter. Criteria: ACMG Guidelines, 2015. Collection method: clinical testing. Allele origin: germline. Affected: yes.
Comment: PM2